The following is an entry in ClinVar:

NM_005068.3(SIM1):c.264G>A (p.Leu88=)

Gene: SIM1 (SIM bHLH transcription factor 1; minus strand). Cytogenetic location: 6q16.3.
Variant type: single nucleotide variant.
Coding change: c.264G>A on transcript NM_005068.3 (MANE Select); coding-DNA position 264, G replaced by A.
Protein change: p.Leu88=; no amino-acid change (leucine 88 retained).
Molecular consequence: synonymous variant.
Genome position (GRCh38, 1-based): chr6:100,450,351, C>T on the plus strand (G>A on the coding strand, the complement: SIM1 is on the minus strand). VCF-style: chr6-100450351-C-T. GRCh37 (hg19) VCF-style: chr6-100898227-C-T.
Other names: c.264G>A, p.Leu88= (NM_001374769.1).
Identifiers: ClinVar variation 904786 (VCV000904786.5), dbSNP rs374914727, ClinGen allele CA3937357.

ClinVar aggregate classification (germline): Uncertain significance. Review status: criteria provided, single submitter (1 of 4 stars). 2 submissions from 2 submitters: Uncertain significance (1). 1 of the submissions does not count toward it. Last evaluated 2018-01-13.

Conditions:
SIM1-related disorder. Also called: SIM1-related disorders; SIM1-related condition.
Obesity due to SIM1 deficiency. Identifiers: Orphanet 369873, MedGen C5191050, MONDO:0018244.

Allele frequency attached by ClinVar (database versions not stated): gnomAD 0.00003 and below 0.00001; gnomAD exomes 0.00006; ESP Exome Variant Server 0.00008; TOPMed 0.00003; ExAC 0.00006.
gnomAD v4.1: 51 of 1,613,836 alleles (0.0032%); highest among the groups gnomAD compares: South Asian, 0.051%; 1 homozygote.

Submissions (2):

Illumina Laboratory Services, Illumina
Classification: Uncertain significance for Obesity due to SIM1 deficiency. Last evaluated: 2018-01-13. Review status: criteria provided, single submitter. Criteria: ICSL Variant Classification Criteria 13 December 2019. Collection method: clinical testing. Allele origin: germline.

PreventionGenetics, part of Exact Sciences
Classification: Likely benign for SIM1-related condition. Last evaluated: 2024-09-15. Review status: no assertion criteria provided. Collection method: clinical testing. Allele origin: germline. Not counted in ClinVar's aggregate classification.
Comment: This variant is classified as likely benign based on ACMG/AMP sequence variant interpretation guidelines (Richards et al. 2015 PMID: 25741868, with internal and published modifications).